The following is an entry in ClinVar:

NM_000179.3(MSH6):c.2709del (p.Asp904fs)

Gene: MSH6 (mutS homolog 6; plus strand). Cytogenetic location: 2p16.3.
Variant type: Deletion.
Coding change: c.2709del on transcript NM_000179.3 (MANE Select); coding-DNA position 2709, one base deleted (T; older notation c.2709delT).
Protein change: p.Asp904fs; shifts the reading frame from aspartic acid 904.
Molecular consequence: frameshift variant. On other transcripts: non-coding transcript variant (5), intron variant (2).
Genome position (GRCh38, 1-based): chr2:47,800,692, T deleted. VCF-style (leftmost placement, unchanged base first): chr2-47800691-CT-C. GRCh37 (hg19) VCF-style: chr2-48027830-CT-C.
Other names: c.2319del, p.Asp774fs (NM_001281492.2); c.1803del, p.Asp602fs (NM_001281493.2, NM_001281494.2, NM_001406811.1 and 6 more transcripts); c.2805del, p.Asp936fs (NM_001406795.1, NM_001406802.1); c.2709del, p.Asp904fs (NM_001406796.1, NM_001406798.1, NM_001406800.1 and 2 more transcripts); c.2412del, p.Asp805fs (NM_001406797.1, NM_001406801.1, NM_001406805.1 and 10 more transcripts); c.2184del, p.Asp729fs (NM_001406799.1, NM_001406806.1, NM_001406807.1); c.2631del, p.Asp878fs (NM_001406804.1); c.2715del, p.Asp906fs (NM_001406813.1); and 4 more; short protein forms D219fs, D602fs, D729fs, D774fs, D805fs, D848fs, D878fs, D904fs.
Identifiers: ClinVar variation 4876154 (VCV004876154.1).

ClinVar aggregate classification (germline): Pathogenic (1 of 4 stars; one submission).

Conditions:
Lynch syndrome 5 (LYNCH5). Also called: Colorectal cancer, hereditary nonpolyposis, type 5; Hereditary non-polyposis colorectal cancer, type 5. Identifiers: Orphanet 144, MedGen C1833477, MONDO:0013710, OMIM 614350. Disease mechanism: loss of function.

Submission:

Myriad Genetics, Inc.
Classification: Pathogenic for Lynch syndrome 5. Last evaluated: 2026-05-12. Review status: criteria provided, single submitter. Criteria: Myriad Autosomal Dominant, Autosomal Recessive and X-Linked Classification Criteria (2023). Collection method: clinical testing. Allele origin: unknown.
Comment: This variant is considered pathogenic. This variant creates a frameshift predicted to result in premature protein truncation.